The following is an entry in ClinVar:

NM_006859.4(LIAS):c.473G>C (p.Ser158Thr)

Gene: LIAS (lipoic acid synthetase; plus strand). Cytogenetic location: 4p14.
Variant type: single nucleotide variant.
Coding change: c.473G>C on transcript NM_006859.4 (MANE Select); coding-DNA position 473, G replaced by C.
Protein change: p.Ser158Thr; replaces serine 158 with threonine.
Molecular consequence: missense variant. On other transcripts: intron variant (1).
Genome position (GRCh38, 1-based): chr4:39,465,125, G>C. VCF-style: chr4-39465125-G-C. GRCh37 (hg19) VCF-style: chr4-39466745-G-C.
Other names: c.473G>C, p.Ser158Thr (NM_001278590.2, NM_194451.3); c.299+1520G>C (NM_001363700.2); short protein forms S158T.
Identifiers: ClinVar variation 540091 (VCV000540091.6), dbSNP rs751421705, ClinGen allele CA2894692.

ClinVar aggregate classification (germline): Uncertain significance (1 of 4 stars; one submission).

Conditions:
Lipoic acid synthetase deficiency. Also called: HYPERGLYCINEMIA, LACTIC ACIDOSIS, AND SEIZURES. Identifiers: Orphanet 401859, MedGen C3280887, MONDO:0013762, OMIM 614462.

Allele frequency attached by ClinVar (database versions not stated): TOPMed 0.00002; gnomAD exomes 0.00003 and 0.00002; gnomAD 0.00001; ExAC 0.00002.
gnomAD v4.1: 45 of 1,614,132 alleles (0.0028%); highest among the groups gnomAD compares: Non-Finnish European, 0.0038%; no homozygotes.

Submission:

Labcorp Genetics (formerly Invitae), Labcorp
Classification: Uncertain significance for Lipoic acid synthetase deficiency. Last evaluated: 2021-09-02. Review status: criteria provided, single submitter. Criteria: Invitae Variant Classification Sherloc (09022015). Collection method: clinical testing. Allele origin: germline.
Comment: This sequence change replaces serine with threonine at codon 158 of the LIAS protein (p.Ser158Thr). The serine residue is weakly conserved and there is a small physicochemical difference between serine and threonine. This variant is present in population databases (rs751421705, ExAC 0.003%). This variant has not been reported in the literature in individuals affected with LIAS-related conditions. Algorithms developed to predict the effect of missense changes on protein structure and function (SIFT, PolyPhen-2, Align-GVGD) all suggest that this variant is likely to be tolerated. In summary, the available evidence is currently insufficient to determine the role of this variant in disease. Therefore, it has been classified as a Variant of Uncertain Significance.